The following is an entry in ClinVar:

NM_001048174.2(MUTYH):c.509_512del (p.Gly170fs)

Gene: MUTYH (mutY DNA glycosylase; minus strand). Cytogenetic location: 1p34.1.
Variant type: Deletion.
Coding change: c.509_512del on transcript NM_001048174.2 (MANE Select); coding-DNA positions 509 to 512, 4 bases deleted (GGGG; older notation c.509_512delGGGG).
Protein change: p.Gly170fs; shifts the reading frame from glycine 170.
Molecular consequence: frameshift variant. On other transcripts: non-coding transcript variant (7).
Genome position (GRCh38, 1-based): chr1:45,332,668-45,332,671, CCCC deleted on the plus strand (GGGG on the coding strand, the reverse complement: MUTYH is on the minus strand); deleting any 4 consecutive bases within chr1:45,332,668-45,332,672 gives the same sequence; the c. name uses the placement nearest the transcript's 3' end. VCF-style (leftmost placement, unchanged base first): chr1-45332667-GCCCC-G. GRCh37 (hg19) VCF-style: chr1-45798339-GCCCC-G.
Other names: c.509_512del, p.Gly170fs (NM_001048171.2, NM_001048173.2, NM_001293195.2 and 6 more transcripts); c.512_515del, p.Gly171fs (NM_001048172.2, NM_001407086.1, NM_001407071.1 and 1 more transcripts); c.593_596del, p.Gly198fs (NM_001128425.2); c.554_557del, p.Gly185fs (NM_001293190.2); c.542_545del, p.Gly181fs (NM_001293191.2, NM_001407069.1, NM_001407077.1); c.233_236del, p.Gly78fs (NM_001293192.2, NM_001293196.2, NM_001407091.1); c.164_167del, p.Gly55fs (NM_001350650.2, NM_001350651.2, NM_001407082.1); c.551_554del, p.Gly184fs (NM_001407083.1, NM_001407085.1); and 5 more; short protein forms G142fs, G156fs, G157fs, G170fs, G171fs, G177fs, G181fs, G184fs.
Identifiers: ClinVar variation 3070341 (VCV003070341.1), dbSNP rs1218453896, ClinGen allele CA2825000967.

ClinVar aggregate classification (germline): Likely pathogenic (1 of 4 stars; one submission).

Conditions:
Familial adenomatous polyposis 2. Also called: COLORECTAL ADENOMATOUS POLYPOSIS, AUTOSOMAL RECESSIVE; ADENOMAS, MULTIPLE COLORECTAL, AUTOSOMAL RECESSIVE; MYH-associated polyposis; MUTYH-associated polyposis; MUTYH-related attenuated familial adenomatous polyposis; MUTYH Polyposis. Identifiers: Orphanet 220460, Orphanet 247798, MedGen C3272841, MONDO:0012041, OMIM 608456.

Submission:

All of Us Research Program, National Institutes of Health
Classification: Likely pathogenic for Familial adenomatous polyposis 2. Last evaluated: 2023-04-15. Review status: criteria provided, single submitter. Criteria: ACMG Guidelines, 2015. Collection method: clinical testing. Allele origin: germline. Inheritance: Autosomal recessive inheritance. Observed: 1 variant allele, 1 compound heterozygote.
Comment: This variant is predicted to result in loss of protein function through nonsense-mediated or protein truncation. Loss of function is an established mechanism of disease. This variant is absent from large population databases, including the Genome Aggregation Database.

This study involves interpretation of variants in research participants for the purpose of population health screening. Participant phenotype was not available at the time of variant classification. Additional details can be found in publication PMID: 35346344, PMCID: PMC8962531